The following is an entry in ClinVar:

ClinVar aggregate classification (germline): Uncertain significance (1 of 4 stars; one submission).

Allele frequency attached by ClinVar (database versions not stated): TOPMed below 0.00001; gnomAD exomes 0.00001; gnomAD 0.00002; ExAC 0.00005; 1000 Genomes Project 0.00040; 1000 Genomes Project 30x 0.00047.

Submission:

Labcorp Genetics (formerly Invitae), Labcorp
Classification: Uncertain significance. Last evaluated: 2023-08-22. Review status: criteria provided, single submitter. Criteria: Invitae Variant Classification Sherloc (09022015). Collection method: clinical testing. Allele origin: germline.
Comment: This sequence change replaces tryptophan, which is neutral and slightly polar, with cysteine, which is neutral and slightly polar, at codon 470 of the NCSTN protein (p.Trp470Cys). This variant is present in population databases (rs549339558, gnomAD 0.05%). This variant has not been reported in the literature in individuals affected with NCSTN-related conditions. In summary, the available evidence is currently insufficient to determine the role of this variant in disease. Therefore, it has been classified as a Variant of Uncertain Significance. An algorithm developed to predict the effect of missense changes on protein structure and function (PolyPhen-2) suggests that this variant is likely to be tolerated.

NM_015331.3(NCSTN):c.1410G>T (p.Trp470Cys)

Gene: NCSTN (nicastrin; plus strand). Cytogenetic location: 1q23.2.
Variant type: single nucleotide variant.
Coding change: c.1410G>T on transcript NM_015331.3 (MANE Select); coding-DNA position 1410, G replaced by T.
Protein change: p.Trp470Cys; replaces tryptophan 470 with cysteine.
Molecular consequence: missense variant.
Genome position (GRCh38, 1-based): chr1:160,355,712, G>T. VCF-style: chr1-160355712-G-T. GRCh37 (hg19) VCF-style: chr1-160325502-G-T.
Other names: c.1350G>T, p.Trp450Cys (NM_001290184.2); c.996G>T, p.Trp332Cys (NM_001290186.2); c.1410G>T, p.Trp470Cys (NM_001349729.2); short protein forms W450C, W470C, W332C.
Identifiers: ClinVar variation 3017976 (VCV003017976.3), dbSNP rs549339558, ClinGen allele CA1198997.